The following is an entry in ClinVar:

NM_004655.4(AXIN2):c.1460T>G (p.Leu487Arg)

Gene: AXIN2 (axin 2; minus strand). Cytogenetic location: 17q24.1.
Variant type: single nucleotide variant.
Coding change: c.1460T>G on transcript NM_004655.4 (MANE Select); coding-DNA position 1460, T replaced by G.
Protein change: p.Leu487Arg; replaces leucine 487 with arginine.
Molecular consequence: missense variant.
Genome position (GRCh38, 1-based): chr17:65,537,576, A>C on the plus strand (T>G on the coding strand, the complement: AXIN2 is on the minus strand). VCF-style: chr17-65537576-A-C. GRCh37 (hg19) VCF-style: chr17-63533694-A-C.
Other names: c.1460T>G, p.Leu487Arg (NM_001363813.1); short protein forms L487R.
Identifiers: ClinVar variation 1371344 (VCV001371344.8), dbSNP rs1555577817, ClinGen allele CA400677453.

ClinVar aggregate classification (germline): Uncertain significance (1 of 4 stars; one submission).

Conditions:
Oligodontia-cancer predisposition syndrome. Also called: TOOTH AGENESIS-COLORECTAL CANCER SYNDROME. Identifiers: Orphanet 300576, MedGen C1837750, MONDO:0012075, OMIM 608615. Disease mechanism: loss of function.

Submission:

Labcorp Genetics (formerly Invitae), Labcorp
Classification: Uncertain significance for Oligodontia-cancer predisposition syndrome. Last evaluated: 2021-07-06. Review status: criteria provided, single submitter. Criteria: Invitae Variant Classification Sherloc (09022015). Collection method: clinical testing. Allele origin: germline.
Comment: In summary, the available evidence is currently insufficient to determine the role of this variant in disease. Therefore, it has been classified as a Variant of Uncertain Significance. Algorithms developed to predict the effect of missense changes on protein structure and function are either unavailable or do not agree on the potential impact of this missense change (SIFT: "Tolerated"; PolyPhen-2: "Possibly Damaging"; Align-GVGD: "Class C0"). This variant has not been reported in the literature in individuals affected with AXIN2-related conditions. This variant is not present in population databases (ExAC no frequency). This sequence change replaces leucine with arginine at codon 487 of the AXIN2 protein (p.Leu487Arg). The leucine residue is moderately conserved and there is a moderate physicochemical difference between leucine and arginine.